The following is an entry in ClinVar:

NM_012062.5(DNM1L):c.1552A>T (p.Asn518Tyr)

Gene: DNM1L (dynamin 1L; plus strand). Cytogenetic location: 12p11.21.
Variant type: single nucleotide variant.
Coding change: c.1552A>T on transcript NM_012062.5 (MANE Select); coding-DNA position 1552, A replaced by T.
Protein change: p.Asn518Tyr; replaces asparagine 518 with tyrosine.
Molecular consequence: missense variant.
Genome position (GRCh38, 1-based): chr12:32,737,117, A>T. VCF-style: chr12-32737117-A-T. GRCh37 (hg19) VCF-style: chr12-32890051-A-T.
Other names: c.1552A>T, p.Asn518Tyr (NM_001278463.2, NM_005690.5, NM_012063.4); c.1591A>T, p.Asn531Tyr (NM_001278464.2, NM_001278465.2, NM_001330380.2); c.943A>T, p.Asn315Tyr (NM_001278466.2); c.1552A>T (NM_012062.3); short protein forms N531Y, N315Y, N518Y.
Identifiers: ClinVar variation 2968160 (VCV002968160.4), dbSNP rs1954938694, ClinGen allele CA384360689.

ClinVar aggregate classification (germline): Uncertain significance. Review status: criteria provided, multiple submitters, no conflicts (2 of 4 stars). 2 submissions from 2 submitters: Uncertain significance (2). Last evaluated 2026-06-03.

Conditions:
Inborn genetic diseases. Identifiers: MedGen C0950123, MeSH D030342.

Allele frequency attached by ClinVar (database versions not stated): gnomAD exomes below 0.00001; TOPMed below 0.00001.
gnomAD v4.1: 1 of 1,613,786 alleles (0.000062%); highest among the groups gnomAD compares: Non-Finnish European, 0.000085%; no homozygotes.

Submissions (2):

Ambry Genetics
Classification: Uncertain significance for Inborn genetic diseases. Last evaluated: 2026-06-03. Review status: criteria provided, single submitter. Criteria: Ambry Variant Classification Scheme 2023. Collection method: clinical testing. Allele origin: germline.

Labcorp Genetics (formerly Invitae), Labcorp
Classification: Uncertain significance. Last evaluated: 2023-11-08. Review status: criteria provided, single submitter. Criteria: Invitae Variant Classification Sherloc (09022015). Collection method: clinical testing. Allele origin: germline.
Comment: This sequence change replaces asparagine, which is neutral and polar, with tyrosine, which is neutral and polar, at codon 518 of the DNM1L protein (p.Asn518Tyr). This variant is not present in population databases (gnomAD no frequency). This variant has not been reported in the literature in individuals affected with DNM1L-related conditions. An algorithm developed to predict the effect of missense changes on protein structure and function (PolyPhen-2) suggests that this variant is likely to be disruptive. In summary, the available evidence is currently insufficient to determine the role of this variant in disease. Therefore, it has been classified as a Variant of Uncertain Significance.